The following is an entry in ClinVar:

NM_001453.3(FOXC1):c.184C>T (p.Arg62Cys)

Gene: FOXC1 (forkhead box C1; plus strand). Cytogenetic location: 6p25.3.
Variant type: single nucleotide variant.
Coding change: c.184C>T on transcript NM_001453.3 (MANE Select); coding-DNA position 184, C replaced by T.
Protein change: p.Arg62Cys; replaces arginine 62 with cysteine.
Molecular consequence: missense variant.
Genome position (GRCh38, 1-based): chr6:1,610,629, C>T. VCF-style: chr6-1610629-C-T. GRCh37 (hg19) VCF-style: chr6-1610864-C-T.
Other names: short protein forms R62C.
Identifiers: ClinVar variation 1932606 (VCV001932606.5), dbSNP rs756657100, ClinGen allele CA133389308.

ClinVar aggregate classification (germline): Uncertain significance (1 of 4 stars; one submission).

Conditions:
Axenfeld-Rieger syndrome type 3 (RIEG3). Also called: AXENFELD-RIEGER ANOMALY WITH CARDIAC DEFECTS AND/OR SENSORINEURAL HEARING LOSS. Identifiers: Orphanet 782, MedGen C2678503, MONDO:0011233, OMIM 602482.

Allele frequency attached by ClinVar (database versions not stated): TOPMed below 0.00001; gnomAD 0.00001.

Submission:

Labcorp Genetics (formerly Invitae), Labcorp
Classification: Uncertain significance for Axenfeld-Rieger syndrome type 3. Last evaluated: 2025-01-06. Review status: criteria provided, single submitter. Criteria: Invitae Variant Classification Sherloc (09022015). Collection method: clinical testing. Allele origin: germline.
Comment: This sequence change replaces arginine, which is basic and polar, with cysteine, which is neutral and slightly polar, at codon 62 of the FOXC1 protein (p.Arg62Cys). This variant is not present in population databases (gnomAD no frequency). This variant has not been reported in the literature in individuals affected with FOXC1-related conditions. ClinVar contains an entry for this variant (Variation ID: 1932606). An algorithm developed to predict the effect of missense changes on protein structure and function (PolyPhen-2) suggests that this variant is likely to be disruptive. In summary, the available evidence is currently insufficient to determine the role of this variant in disease. Therefore, it has been classified as a Variant of Uncertain Significance.